The following is an entry in ClinVar:

ClinVar aggregate classification (germline): Uncertain significance (1 of 4 stars; one submission).

Conditions:
Posterior polymorphous corneal dystrophy 3 (PPCD3). Identifiers: Orphanet 98973, MedGen C1836724, MONDO:0012200, OMIM 609141.
Corneal dystrophy, Fuchs endothelial, 6 (FECD6). Identifiers: Orphanet 98974, MedGen C2750448, MONDO:0013206, OMIM 613270.

Submission:

Juno Genomics, Hangzhou Juno Genomics, Inc
Classification: Uncertain significance for Corneal dystrophy, Fuchs endothelial, 6; Posterior polymorphous corneal dystrophy 3. Review status: criteria provided, single submitter. Criteria: ACMG Guidelines, 2015. Collection method: clinical testing. Allele origin: germline. Affected: yes.
Comment: Absent from controls (or at extremely low frequency if recessive) in Genome Aggregation Database, Exome Sequencing Project, 1000 Genomes Project, or Exome Aggregation Consortium.

NM_001174096.2(ZEB1):c.593A>C (p.Glu198Ala)

Gene: ZEB1 (zinc finger E-box binding homeobox 1; plus strand). Cytogenetic location: 10p11.22.
Variant type: single nucleotide variant.
Coding change: c.593A>C on transcript NM_001174096.2 (MANE Select); coding-DNA position 593, A replaced by C.
Protein change: p.Glu198Ala; replaces glutamic acid 198 with alanine.
Molecular consequence: missense variant. On other transcripts: 5 prime UTR variant (30).
Genome position (GRCh38, 1-based): chr10:31,510,781, A>C. VCF-style: chr10-31510781-A-C. GRCh37 (hg19) VCF-style: chr10-31799709-A-C.
Other names: c.542A>C, p.Glu181Ala (NM_001128128.3); c.530A>C, p.Glu177Ala (NM_001174093.2); c.539A>C, p.Glu180Ala (NM_001174094.2); c.389A>C, p.Glu130Ala (NM_001174095.2); c.-65A>C (NM_001323638.2, NM_001323641.2, NM_001323642.2 and 27 more transcripts); c.368A>C, p.Glu123Ala (NM_001323674.2); c.326A>C, p.Glu109Ala (NM_001323675.2); c.551A>C, p.Glu184Ala (NM_001323676.2); and 3 more; short protein forms E106A, E109A, E123A, E130A, E177A, E180A, E181A, E183A.
Identifiers: ClinVar variation 3382620 (VCV003382620.2).